The following is an entry in ClinVar:

NM_004369.4(COL6A3):c.2071T>C (p.Phe691Leu)

Gene: COL6A3 (collagen type VI alpha 3 chain; minus strand). Cytogenetic location: 2q37.3.
Variant type: single nucleotide variant.
Coding change: c.2071T>C on transcript NM_004369.4 (MANE Select); coding-DNA position 2071, T replaced by C.
Protein change: p.Phe691Leu; replaces phenylalanine 691 with leucine.
Molecular consequence: missense variant. On other transcripts: intron variant (1).
Genome position (GRCh38, 1-based): chr2:237,379,062, A>G on the plus strand (T>C on the coding strand, the complement: COL6A3 is on the minus strand). VCF-style: chr2-237379062-A-G. GRCh37 (hg19) VCF-style: chr2-238287705-A-G.
Other names: c.850T>C, p.Phe284Leu (NM_057164.5); c.1453T>C, p.Phe485Leu (NM_057165.5, NM_057167.4); c.677-1718T>C (NM_057166.5); short protein forms F284L, F485L, F691L.
Identifiers: ClinVar variation 835841 (VCV000835841.11), dbSNP rs1347014329, ClinGen allele CA351214699.

ClinVar aggregate classification (germline): Uncertain significance. Review status: criteria provided, multiple submitters, no conflicts (2 of 4 stars). 2 submissions from 2 submitters: Uncertain significance (2). Last evaluated 2026-06-10.

Conditions:
Inborn genetic diseases. Identifiers: MedGen C0950123, MeSH D030342.
Bethlem myopathy 1A. Also called: Bethlem myopathy 1; Bethlem Muscular Dystrophy; MYOPATHY, BENIGN CONGENITAL, WITH CONTRACTURES. Identifiers: Orphanet 610, MedGen CN029274, MONDO:0024530, OMIM 158810.

Allele frequency attached by ClinVar (database versions not stated): gnomAD 0.00001; gnomAD exomes 0.00001; TOPMed 0.00001.
gnomAD v4.1: 10 of 1,614,028 alleles (0.00062%); highest among the groups gnomAD compares: Non-Finnish European, 0.00085%; no homozygotes.

Submissions (2):

Ambry Genetics
Classification: Uncertain significance for Inborn genetic diseases. Last evaluated: 2026-06-10. Review status: criteria provided, single submitter. Criteria: Ambry Variant Classification Scheme 2023. Collection method: clinical testing. Allele origin: germline.

Labcorp Genetics (formerly Invitae), Labcorp
Classification: Uncertain significance for Bethlem myopathy 1A. Last evaluated: 2025-06-11. Review status: criteria provided, single submitter. Criteria: Invitae Variant Classification Sherloc (09022015). Collection method: clinical testing. Allele origin: germline.
Comment: This sequence change replaces phenylalanine, which is neutral and non-polar, with leucine, which is neutral and non-polar, at codon 691 of the COL6A3 protein (p.Phe691Leu). This variant is not present in population databases (gnomAD no frequency). This variant has not been reported in the literature in individuals affected with COL6A3-related conditions. ClinVar contains an entry for this variant (Variation ID: 835841). Invitae Evidence Modeling of protein sequence and biophysical properties (such as structural, functional, and spatial information, amino acid conservation, physicochemical variation, residue mobility, and thermodynamic stability) indicates that this missense variant is not expected to disrupt COL6A3 protein function with a negative predictive value of 95%. In summary, the available evidence is currently insufficient to determine the role of this variant in disease. Therefore, it has been classified as a Variant of Uncertain Significance.